The following is an entry in ClinVar:

ClinVar aggregate classification (germline): Uncertain significance (1 of 4 stars; one submission).

Submission:

Labcorp Genetics (formerly Invitae), Labcorp
Classification: Uncertain significance. Last evaluated: 2024-02-02. Review status: criteria provided, single submitter. Criteria: Invitae Variant Classification Sherloc (09022015). Collection method: clinical testing. Allele origin: germline.
Comment: This sequence change falls in intron 10 of the ATP6V0A4 gene. It does not directly change the encoded amino acid sequence of the ATP6V0A4 protein. It affects a nucleotide within the consensus splice site. This variant is not present in population databases (gnomAD no frequency). This variant has been observed in individual(s) with distal renal tubular acidosis (Invitae). Variants that disrupt the consensus splice site are a relatively common cause of aberrant splicing (PMID: 17576681, 9536098). Algorithms developed to predict the effect of sequence changes on RNA splicing suggest that this variant may disrupt the consensus splice site. In summary, the available evidence is currently insufficient to determine the role of this variant in disease. Therefore, it has been classified as a Variant of Uncertain Significance.

Literature cited by the submitters: PubMed 17576681; PubMed 9536098.

NM_020632.3(ATP6V0A4):c.816+5del

Gene: ATP6V0A4 (ATPase H+ transporting V0 subunit a4; minus strand). Cytogenetic location: 7q34.
Variant type: Deletion.
Coding change: c.816+5del on transcript NM_020632.3 (MANE Select); 5 bases into the intron after coding-DNA position 816, one base deleted (G; older notation c.816+5delG).
Molecular consequence: intron variant.
Genome position (GRCh38, 1-based): chr7:138,755,684, C deleted on the plus strand (G on the coding strand, the reverse complement: ATP6V0A4 is on the minus strand). VCF-style (leftmost placement, unchanged base first): chr7-138755683-AC-A. GRCh37 (hg19) VCF-style: chr7-138440428-AC-A.
Other names: c.816+5del (NM_130840.3, NM_130841.3).
Identifiers: ClinVar variation 2711409 (VCV002711409.3), dbSNP rs2485244343, ClinGen allele CA2697557631.
Genomic context (GRCh38, chr7:138,755,683, plus strand): 5'-ATGAAAACAGCAGAGGCAGCCCTCCTGCAGCTGCCATCAGACCATGCGCCCAAACCCCTC[AC>A]TCACGGTGATTAAATCTTCCAGCCTCACATTGACGCTCTCCAACATCTCTCTGCGCTCCA-3'